The following is an entry in ClinVar:

ClinVar aggregate classification (germline): Conflicting classifications of pathogenicity. Review status: criteria provided, conflicting classifications (1 of 4 stars). 10 submissions from 10 submitters: Uncertain significance (8); Likely benign (1). 1 of the submissions does not count toward it. Last evaluated 2026-04-04.

Conditions:
TTN-related disorder. Also called: TTN-related condition; TTN-related disease; TTN-related disorders.
Dilated cardiomyopathy 1G (CMD1G). Identifiers: Orphanet 154, MedGen C1858763, MONDO:0011400, OMIM 604145.
Autosomal recessive limb-girdle muscular dystrophy type 2J (LGMDR10). Also called: Limb-girdle muscular dystrophy, type 2J; MUSCULAR DYSTROPHY, LIMB-GIRDLE, AUTOSOMAL RECESSIVE 10. Identifiers: Orphanet 140922, MedGen C1837342, MONDO:0012127, OMIM 608807.
Cardiomyopathy (CMYO). Also called: Cardiomyopathies. Identifiers: Orphanet 167848, MedGen C0878544, MONDO:0004994, HP:0001638. Inheritance: Various modes of inheritance.
Dilated cardiomyopathy 1S (CMD1S). Identifiers: Orphanet 154, Orphanet 54260, MedGen C1834481, MONDO:0013262, OMIM 613426.

Allele frequency attached by ClinVar (database versions not stated): ExAC 0.00005; TOPMed 0.00006; gnomAD exomes 0.00007 and 0.00008; gnomAD 0.00009 and 0.00011; ESP Exome Variant Server 0.00017.
gnomAD v4.1: 102 of 1,528,298 alleles (0.0067%); highest among the groups gnomAD compares: Non-Finnish European, 0.0081%; no homozygotes.

Submissions (10):

PreventionGenetics, part of Exact Sciences
Classification: Uncertain significance for TTN-related condition. Last evaluated: 2026-04-04. Review status: criteria provided, single submitter. Criteria: ACMG Guidelines, 2015. Collection method: clinical testing. Allele origin: germline.
Comment: The TTN c.55745C>T variant is predicted to result in the amino acid substitution p.Pro18582Leu. This variant has been reported in an individual with dilated cardiomyopathy (Table S5, Klauke et al. 2017. PubMed ID: 29253866). This variant is reported in 0.015% of alleles in individuals of European (non-Finnish) descent in gnomAD. At this time, the clinical significance of this variant is uncertain due to the absence of conclusive functional and genetic evidence.

Blueprint Genetics
Classification: Likely benign. Last evaluated: 2024-11-19. Review status: criteria provided, single submitter. Criteria: ACMG Guidelines, 2015. Collection method: clinical testing. Allele origin: germline.

CeGaT Center for Human Genetics Tuebingen
Classification: Uncertain significance. Last evaluated: 2023-08-01. Review status: criteria provided, single submitter. Criteria: CeGaT Center For Human Genetics Tuebingen Variant Classification Criteria Version 2. Collection method: clinical testing. Allele origin: germline. Affected: yes. Observed: 2 variant alleles.

Revvity Omics, Revvity
Classification: Uncertain significance. Last evaluated: 2020-02-24. Review status: criteria provided, single submitter. Criteria: ACMG Guidelines, 2015. Collection method: clinical testing. Allele origin: germline.

CHEO Genetics Diagnostic Laboratory, Children's Hospital of Eastern Ontario
Classification: Uncertain significance for Cardiomyopathy. Last evaluated: 2019-09-13. Review status: criteria provided, single submitter. Criteria: ACMG Guidelines, 2015. Collection method: clinical testing. Allele origin: germline.

Labcorp Genetics (formerly Invitae), Labcorp
Classification: Uncertain significance for Dilated cardiomyopathy 1G; Autosomal recessive limb-girdle muscular dystrophy type 2J. Last evaluated: 2017-05-26. Review status: criteria provided, single submitter. Criteria: Invitae Variant Classification Sherloc (09022015). Collection method: clinical testing. Allele origin: germline.

GeneDx
Classification: Uncertain significance. Last evaluated: 2016-09-12. Review status: criteria provided, single submitter. Criteria: GeneDx Variant Classification (06012015). Collection method: clinical testing. Allele origin: germline. Affected: yes.
Comment: Missense variants in the TTN gene are considered 'unclassified' if they are not previously reported in the literature and do not have >1% frequency in the population to be considered a polymorphism. Research indicates that truncating mutations in the TTN gene are expected to account for approximately 25% of familial and 18% of sporadic idiopathic DCM; however, truncating variants in the TTN gene have been reported in approximately 3% of reported control alleles. There has been little investigation into non-truncating variants. (Herman D et al. Truncations of titin causing dilated cardiomyopathy. N Eng J Med 366:619-628, 2012) The variant is found in CARDIOMYOPATHY panel(s).

Eurofins Ntd Llc (ga)
Classification: Uncertain significance. Last evaluated: 2016-08-31. Review status: criteria provided, single submitter. Criteria: EGL Classification Definitions 2015. Collection method: clinical testing. Allele origin: germline. Observed: 2 variant alleles, 2 heterozygotes.

Laboratory for Molecular Medicine, Mass General Brigham Personalized Medicine
Classification: Uncertain significance. Last evaluated: 2012-11-20. Review status: criteria provided, single submitter. Criteria: LMM Criteria. Collection method: clinical testing. Allele origin: germline. Observed: 1 variant allele.
Comment: Variant classified as Uncertain Significance - Favor Benign. The Pro16014Leu var iant in TTN has not been reported in the literature nor previously identified by our laboratory. This variant has been identified in 2/8184 European American ch romosomes from a broad population by the NHLBI Exome Sequencing Project (dbSNP rs201194435). Proline (Pro) at position 16014 is not conserved in mammals, as rat carries a leucine (Leu; this variant) at thi s position. Additional computational analyses (biochemical amino acid properties , AlignGVGD, PolyPhen2, and SIFT) suggest that this variant may not impact the p rotein, though this information is not predictive enough to rule out pathogenici ty. Additional information is needed to fully assess the clinical significance o f this variant.

Institut für Laboratoriums- und Transfusionsmedizin, Herz- und Diabeteszentrum Nordrhein-Westfalen
Classification: Uncertain significance for Dilated cardiomyopathy 1S. Last evaluated: 2016-05-01. Review status: no assertion criteria provided. Collection method: clinical testing. Allele origin: germline. Affected: yes. Observed: 1 variant allele. Not counted in ClinVar's aggregate classification.

NM_001267550.2(TTN):c.55745C>T (p.Pro18582Leu)

Genes: TTN (titin; minus strand), TTN-AS1 (TTN antisense RNA 1; plus strand). Cytogenetic location: 2q31.2.
Variant type: single nucleotide variant.
Coding change: c.55745C>T on transcript NM_001267550.2 (MANE Select); coding-DNA position 55745, C replaced by T.
Protein change: p.Pro18582Leu; replaces proline 18582 with leucine.
Molecular consequence: missense variant.
Genome position (GRCh38, 1-based): chr2:178,601,159, G>A on the plus strand (C>T on the coding strand, the complement: TTN is on the minus strand). VCF-style: chr2-178601159-G-A. GRCh37 (hg19) VCF-style: chr2-179465886-G-A.
Other names: p.P16941L:CCT>CTT; c.50822C>T, p.Pro16941Leu (NM_001256850.1); c.48041C>T, p.Pro16014Leu (NM_133378.4); c.28550C>T, p.Pro9517Leu (NM_003319.4); c.28925C>T, p.Pro9642Leu (NM_133432.3); c.29126C>T, p.Pro9709Leu (NM_133437.4); short protein forms P18582L, P16014L, P16941L, P9642L, P9709L, P9517L.
Identifiers: ClinVar variation 47108 (VCV000047108.54), dbSNP rs201194435, ClinGen allele CA140031.